The following is an entry in ClinVar:

ClinVar aggregate classification (germline): Benign/Likely benign. Review status: criteria provided, multiple submitters, no conflicts (2 of 4 stars). 3 submissions from 3 submitters: Benign (2); Likely benign (1). Last evaluated 2024-11-21.

Conditions:
Coxopodopatellar syndrome. Also called: ISCHIOCOXOPODOPATELLAR SYNDROME WITH OR WITHOUT PULMONARY ARTERIAL HYPERTENSION; Congenital coxa vara, patella aplasia and tarsal synostosis; ISCHIOPATELLAR DYSPLASIA; SCOTT-TAOR SYNDROME; ISCHIOCOXOPODOPATELLAR SYNDROME; PATELLA APLASIA, COXA VARA, AND TARSAL SYNOSTOSIS. Identifiers: Orphanet 1509, MedGen C1840061, MONDO:0007841, OMIM 147891.

Allele frequency attached by ClinVar (database versions not stated): TOPMed 0.00003; gnomAD exomes 0.00041 and 0.00087; 1000 Genomes Project 30x 0.00062; gnomAD 0.00065; ExAC 0.00076; 1000 Genomes Project 0.00080.
gnomAD v4.1: 695 of 1,612,164 alleles (0.043%); highest among the groups gnomAD compares: South Asian, 0.048%; 7 homozygotes.

Submissions (3):

Blueprint Genetics
Classification: Likely benign. Last evaluated: 2024-11-21. Review status: criteria provided, single submitter. Criteria: ACMG Guidelines, 2015. Collection method: clinical testing. Allele origin: germline.

Labcorp Genetics (formerly Invitae), Labcorp
Classification: Benign. Last evaluated: 2022-06-20. Review status: criteria provided, single submitter. Criteria: Invitae Variant Classification Sherloc (09022015). Collection method: clinical testing. Allele origin: germline.

Illumina Laboratory Services, Illumina
Classification: Benign for Coxopodopatellar syndrome. Last evaluated: 2018-01-13. Review status: criteria provided, single submitter. Criteria: ICSL Variant Classification Criteria 13 December 2019. Collection method: clinical testing. Allele origin: germline.
Comment: This variant was observed in the ICSL laboratory as part of a predisposition screen in an ostensibly healthy population. It had not been previously curated by ICSL or reported in the Human Gene Mutation Database (HGMD: prior to June 1st, 2018), and was therefore a candidate for classification through an automated scoring system. Utilizing variant allele frequency, disease prevalence and penetrance estimates, and inheritance mode, an automated score was calculated to assess if this variant is too frequent to cause the disease. Based on the score and internal cut-off values, a variant classified as benign is not then subjected to further curation. The score for this variant resulted in a classification of benign for this disease.

NM_001321120.2(TBX4):c.1524G>A (p.Ser508=)

Gene: TBX4 (T-box transcription factor 4; plus strand). Cytogenetic location: 17q23.2.
Variant type: single nucleotide variant.
Coding change: c.1524G>A on transcript NM_001321120.2 (MANE Select); coding-DNA position 1524, G replaced by A.
Protein change: p.Ser508=; no amino-acid change (serine 508 retained).
Molecular consequence: synonymous variant.
Genome position (GRCh38, 1-based): chr17:61,483,399, G>A. VCF-style: chr17-61483399-G-A. GRCh37 (hg19) VCF-style: chr17-59560760-G-A.
Other names: c.1524G>A, p.Ser508= (LRG_1206t1); c.1521G>A, p.Ser507= (NM_018488.3).
Identifiers: ClinVar variation 324264 (VCV000324264.10), dbSNP rs188952741, ClinGen allele CA8690118.